The following is an entry in ClinVar:

NM_015311.3(OBSL1):c.3271C>A (p.Leu1091Met)

Gene: OBSL1 (obscurin like cytoskeletal adaptor 1; minus strand). Cytogenetic location: 2q35.
Variant type: single nucleotide variant.
Coding change: c.3271C>A on transcript NM_015311.3 (MANE Select); coding-DNA position 3271, C replaced by A.
Protein change: p.Leu1091Met; replaces leucine 1091 with methionine.
Molecular consequence: missense variant.
Genome position (GRCh38, 1-based): chr2:219,558,415, G>T on the plus strand (C>A on the coding strand, the complement: OBSL1 is on the minus strand). VCF-style: chr2-219558415-G-T. GRCh37 (hg19) VCF-style: chr2-220423137-G-T.
Other names: c.3271C>A, p.Leu1091Met (NM_001173431.2); short protein forms L1091M.
Identifiers: ClinVar variation 2078588 (VCV002078588.3), dbSNP rs945991099, ClinGen allele CA66029139.

ClinVar aggregate classification (germline): Uncertain significance (1 of 4 stars; one submission).

Allele frequency attached by ClinVar (database versions not stated): TOPMed below 0.00001; gnomAD 0.00001; gnomAD exomes 0.00001.
gnomAD v4.1: 10 of 1,599,726 alleles (0.00063%); highest among the groups gnomAD compares: African/African-American, 0.0013%; no homozygotes.

Submission:

Labcorp Genetics (formerly Invitae), Labcorp
Classification: Uncertain significance. Last evaluated: 2022-02-13. Review status: criteria provided, single submitter. Criteria: Invitae Variant Classification Sherloc (09022015). Collection method: clinical testing. Allele origin: germline.
Comment: In summary, the available evidence is currently insufficient to determine the role of this variant in disease. Therefore, it has been classified as a Variant of Uncertain Significance. Algorithms developed to predict the effect of missense changes on protein structure and function are either unavailable or do not agree on the potential impact of this missense change (SIFT: "Tolerated"; PolyPhen-2: "Probably Damaging"; Align-GVGD: "Class C0"). This variant has not been reported in the literature in individuals affected with OBSL1-related conditions. The frequency data for this variant in the population databases is considered unreliable, as metrics indicate poor data quality at this position in the gnomAD database. This sequence change replaces leucine, which is neutral and non-polar, with methionine, which is neutral and non-polar, at codon 1091 of the OBSL1 protein (p.Leu1091Met).